The following is an entry in ClinVar:

ClinVar aggregate classification (germline): Likely benign. Review status: criteria provided, multiple submitters, no conflicts (2 of 4 stars). 4 submissions from 4 submitters: Likely benign (4). Last evaluated 2026-09-01.

Conditions:
HADHA-related disorder. Also called: HADHA-related disorders; HADHA-related condition.
Long chain 3-hydroxyacyl-CoA dehydrogenase deficiency. Also called: LCHAD Deficiency; Deficiency of long-chain 3-hydroxyacyl-coenzyme A dehydrogenase. Identifiers: Orphanet 5, MedGen C3711645, MONDO:0012173, OMIM 609016.
Mitochondrial trifunctional protein deficiency. Identifiers: Orphanet 746, MedGen C1969443, MONDO:0012172.

Allele frequency attached by ClinVar (database versions not stated): ExAC 0.00002; gnomAD exomes 0.00002 and 0.00007; gnomAD 0.00004 and 0.00005; TOPMed 0.00006.
gnomAD v4.1: 103 of 1,613,708 alleles (0.0064%); highest among the groups gnomAD compares: East Asian, 0.018%; no homozygotes.

Submissions (4):

CeGaT Center for Human Genetics Tuebingen
Classification: Likely benign. Last evaluated: 2026-09-01. Review status: criteria provided, single submitter. Criteria: CeGaT Center For Human Genetics Tuebingen Variant Classification Criteria Version 2. Collection method: clinical testing. Allele origin: germline. Affected: yes. Observed: 1 variant allele.
Comment: HADHA: BP4, BP7

PreventionGenetics, part of Exact Sciences
Classification: Likely benign for HADHA-related condition. Last evaluated: 2026-05-13. Review status: criteria provided, single submitter. Criteria: ACMG Guidelines, 2015. Collection method: clinical testing. Allele origin: germline.
Comment: This variant is classified as likely benign based on ACMG/AMP sequence variant interpretation guidelines (Richards et al. 2015 PMID: 25741868, with internal and published modifications).

Labcorp Genetics (formerly Invitae), Labcorp
Classification: Likely benign for Mitochondrial trifunctional protein deficiency; Long chain 3-hydroxyacyl-CoA dehydrogenase deficiency. Last evaluated: 2025-12-14. Review status: criteria provided, single submitter. Criteria: Invitae Variant Classification Sherloc (09022015). Collection method: clinical testing. Allele origin: germline.

Blueprint Genetics
Classification: Likely benign. Last evaluated: 2023-01-18. Review status: criteria provided, single submitter. Criteria: ACMG Guidelines, 2015. Collection method: clinical testing. Allele origin: germline.

NM_000182.5(HADHA):c.1752C>T (p.Ala584=)

Genes: GAREM2 (GRB2 associated regulator of MAPK1 subtype 2; plus strand), HADHA (hydroxyacyl-CoA dehydrogenase trifunctional multienzyme complex subunit alpha; minus strand). Cytogenetic location: 2p23.3.
Variant type: single nucleotide variant.
Coding change: c.1752C>T on transcript NM_000182.5 (MANE Select); coding-DNA position 1752, C replaced by T.
Protein change: p.Ala584=; no amino-acid change (alanine 584 retained).
Molecular consequence: synonymous variant.
Genome position (GRCh38, 1-based): chr2:26,193,710, G>A on the plus strand (C>T on the coding strand, the complement: HADHA is on the minus strand). VCF-style: chr2-26193710-G-A. GRCh37 (hg19) VCF-style: chr2-26416579-G-A.
Other names: c.1752C>T (NM_000182.4).
Identifiers: ClinVar variation 1082526 (VCV001082526.12), dbSNP rs761749332, ClinGen allele CA1559462.